The following is an entry in ClinVar:

ClinVar aggregate classification (germline): Uncertain significance (1 of 4 stars; one submission).

Conditions:
Hereditary cancer-predisposing syndrome. Also called: Neoplastic Syndromes, Hereditary; Tumor predisposition; Hereditary Cancer Syndrome; Hereditary neoplastic syndrome. Identifiers: Orphanet 140162, MedGen C0027672, MeSH D009386, MONDO:0015356.

Submission:

Ambry Genetics
Classification: Uncertain significance for Hereditary cancer-predisposing syndrome. Last evaluated: 2025-10-27. Review status: criteria provided, single submitter. Criteria: Ambry Variant Classification Scheme 2023. Collection method: clinical testing. Allele origin: germline.
Comment: The c.2210delTins19 variant (also known as p.L737delinsPRNTKNT), located in coding exon 15 of the MSH3 gene, results from an in-frame deletion of T and insertion of CAAGAAATACGAAAAATAC at nucleotide positions 2210 to 2210. This results in the substitution of the leucine residue for PRNTKNT residues at codon 737. This amino acid position is well conserved in available vertebrate species. In addition, this variant is predicted to be deleterious by in silico analysis (Choi Y et al. PLoS ONE. 2012; 7(10):e46688). Based on the available evidence, the clinical significance of this variant remains unclear.

NM_002439.5(MSH3):c.2210delinsCAAGAAATACGAAAAATAC (p.Leu737delinsProArgAsnThrLysAsnThr)

Gene: MSH3 (mutS homolog 3; plus strand). Cytogenetic location: 5q14.1.
Variant type: Indel.
Coding change: c.2210delinsCAAGAAATACGAAAAATAC on transcript NM_002439.5 (MANE Select); coding-DNA position 2210, T replaced by CAAGAAATACGAAAAATAC.
Protein change: p.Leu737delinsProArgAsnThrLysAsnThr.
Molecular consequence: inframe indel.
Genome position (GRCh38, 1-based): chr5:80,768,960, T replaced by CAAGAAATACGAAAAATAC. VCF-style: chr5-80768960-T-CAAGAAATACGAAAAATAC. GRCh37 (hg19) VCF-style: chr5-80064779-T-CAAGAAATACGAAAAATAC.
Identifiers: ClinVar variation 4654612 (VCV004654612.1).